The following is an entry in ClinVar:

NM_001009944.3(PKD1):c.4797C>A (p.Tyr1599Ter)

Gene: PKD1 (polycystin 1, transient receptor potential channel interacting; minus strand). Cytogenetic location: 16p13.3.
Variant type: single nucleotide variant.
Coding change: c.4797C>A on transcript NM_001009944.3 (MANE Select); coding-DNA position 4797, C replaced by A.
Protein change: p.Tyr1599Ter; replaces tyrosine 1599 with a stop codon.
Molecular consequence: nonsense.
Genome position (GRCh38, 1-based): chr16:2,110,370, G>T on the plus strand (C>A on the coding strand, the complement: PKD1 is on the minus strand). VCF-style: chr16-2110370-G-T. GRCh37 (hg19) VCF-style: chr16-2160371-G-T.
Other names: c.4797C>A, p.Tyr1599Ter (NM_000296.4); c.4797C>A (NM_001009944.2); short protein forms Y1599*.
Identifiers: ClinVar variation 805167 (VCV000805167.19), dbSNP rs202110519, ClinGen allele CA394379235.

ClinVar aggregate classification (germline): Pathogenic. Review status: criteria provided, multiple submitters, no conflicts (2 of 4 stars). 7 submissions from 7 submitters: Pathogenic (7). Last evaluated 2026-08-28.

Conditions:
PKD1-related disorder. Also called: PKD1-related condition.
Polycystic kidney disease, adult type (PKD1). Also called: Polycystic Kidney Disease 1, Autosomal Dominant; Polycystic kidney disease 1; Polycystic kidney disease 1, severe; POLYCYSTIC KIDNEY DISEASE, ADULT, TYPE I; Polycystic Kidney, Autosomal Dominant; POLYCYSTIC KIDNEY DISEASE 1 WITH OR WITHOUT POLYCYSTIC LIVER DISEASE. Identifiers: MedGen C3149841, MONDO:0008263, OMIM 173900.

Submissions (7):

PreventionGenetics, part of Exact Sciences
Classification: Pathogenic for PKD1-related condition. Last evaluated: 2026-08-28. Review status: criteria provided, single submitter. Criteria: ACMG Guidelines, 2015. Collection method: clinical testing. Allele origin: germline.
Comment: The PKD1 c.4797C>A variant is predicted to result in premature protein termination (p.Tyr1599*). This variant was reported in individuals with autosomal dominant polycystic kidney disease (ADPKD) (see for example, Xu et al. 2018. PubMed ID: 29529603; Table S6, Kim et al. 2019. PubMed ID: 31740684). This variant has not been reported in a large population database (gnomAD), indicating this variant is rare. Nonsense variants in PKD1 are expected to be pathogenic. This variant is interpreted as pathogenic.

Women's Health and Genetics/Laboratory Corporation of America, LabCorp
Classification: Pathogenic for Polycystic kidney disease, adult type. Last evaluated: 2025-06-04. Review status: criteria provided, single submitter. Criteria: LabCorp Variant Classification Summary - May 2015. Collection method: clinical testing. Allele origin: germline.
Comment: Variant summary: PKD1 c.4797C>A (p.Tyr1599X) results in a premature termination codon, predicted to cause a truncation of the encoded protein or absence of the protein due to nonsense mediated decay, which are commonly known mechanisms for disease. The variant was absent in 249458 control chromosomes. c.4797C>A has been observed in individual(s) affected with Polycystic Kidney Disease 1 (example: Yu_2022). The following publication has been ascertained in the context of this evaluation (PMID: 35778421). ClinVar contains an entry for this variant (Variation ID: 805167). Based on the evidence outlined above, the variant was classified as pathogenic.

GeneDx
Classification: Pathogenic. Last evaluated: 2022-08-15. Review status: criteria provided, single submitter. Criteria: GeneDx Variant Classification Process June 2021. Collection method: clinical testing. Allele origin: germline. Affected: yes.
Comment: Nonsense variant predicted to result in protein truncation or nonsense mediated decay in a gene for which loss of function is a known mechanism of disease; Not observed at significant frequency in large population cohorts (gnomAD); This variant is associated with the following publications: (PMID: 30816285, 29529603, 31740684, 32457805)

Fulgent Genetics
Classification: Pathogenic for Polycystic kidney disease, adult type. Last evaluated: 2022-02-12. Review status: criteria provided, single submitter. Criteria: ACMG Guidelines, 2015. Collection method: clinical testing. Allele origin: unknown.

ARUP Laboratories, Molecular Genetics and Genomics, ARUP Laboratories
Classification: Pathogenic for Polycystic kidney disease, adult type. Last evaluated: 2018-11-30. Review status: criteria provided, single submitter. Criteria: ARUP Molecular Germline Variant Investigation Process. Collection method: clinical testing. Allele origin: germline.
Comment: The PKD1 c.4797C>A; p.Tyr1599Ter variant is reported in the literature in multiple individuals affected with autosomal dominant polycystic kidney disease (Audrezet 2012, Xu 2018). This variant is absent from general population databases (1000 Genomes Project, Exome Variant Server, and Genome Aggregation Database), indicating it is not a common polymorphism. This variant induces an early termination codon and is predicted to result in a truncated protein or mRNA subject to nonsense-mediated decay. Based on available information, the p.Tyr1599Ter variant is considered to be pathogenic. References: Audrezet MP et al. Autosomal dominant polycystic kidney disease: comprehensive mutation analysis of PKD1 and PKD2 in 700 unrelated patients. Hum Mutat. 2012 Aug;33(8):1239-50. Xu D et al. Novel Mutations in the PKD1 and PKD2 Genes of Chinese Patients with Autosomal Dominant Polycystic Kidney Disease. Kidney Blood Press Res. 2018;43(2):297-309.

Athena Diagnostics
Classification: Pathogenic. Last evaluated: 2018-11-09. Review status: criteria provided, single submitter. Criteria: Athena Diagnostics Criteria. Collection method: clinical testing. Allele origin: germline.
Comment: The variant creates a premature nonsense codon, and is therefore predicted to result in the loss of a functional protein. Found in at least one symptomatic patient, and not found in general population data.

Juno Genomics, Hangzhou Juno Genomics, Inc
Classification: Pathogenic for Polycystic kidney disease, adult type. Review status: criteria provided, single submitter. Criteria: ACMG Guidelines, 2015. Collection method: clinical testing. Allele origin: germline. Affected: yes.
Comment: Null variant in a gene where loss of function (LOF) is a known mechanism of disease.;Absent from controls (or at extremely low frequency if recessive) in Genome Aggregation Database, Exome Sequencing Project, 1000 Genomes Project, or Exome Aggregation Consortium.;The prevalence of the variant in affected individuals is significantly increased compared to the prevalence in controls.;Patient's phenotype or family history is highly specific for a disease with a single genetic etiology.

Literature cited by the submitters: PubMed 35778421 (cited by Women's Health and Genetics/Laboratory Corporation of America, LabCorp).